The following is an entry in ClinVar:

ClinVar aggregate classification (germline): Conflicting classifications of pathogenicity. Review status: criteria provided, conflicting classifications (1 of 4 stars). 5 submissions from 5 submitters: Uncertain significance (2); Benign (1); Likely benign (2). Last evaluated 2026-05-22.

Conditions:
Hereditary cancer-predisposing syndrome. Also called: Hereditary neoplastic syndrome; Neoplastic Syndromes, Hereditary; Hereditary Cancer Syndrome; Tumor predisposition. Identifiers: Orphanet 140162, MedGen C0027672, MeSH D009386, MONDO:0015356.
Cardiovascular phenotype. Identifiers: MedGen CN230736.
Neurofibromatosis, type 1 (NF1). Also called: Peripheral type neurofibromatosis; Neurofibromatosis, type I; VON RECKLINGHAUSEN DISEASE; NEUROFIBROMATOSIS, TYPE I, SOMATIC. Identifiers: Orphanet 636, MedGen C0027831, MONDO:0018975, OMIM 162200. Disease mechanism: loss of function.

Submissions (5):

Myriad Genetics, Inc.
Classification: Benign for Neurofibromatosis, type 1. Last evaluated: 2026-05-22. Review status: criteria provided, single submitter. Criteria: Myriad Autosomal Dominant, Autosomal Recessive and X-Linked Classification Criteria (2023). Collection method: clinical testing. Allele origin: unknown.
Comment: This variant is considered benign. This variant is a silent/synonymous amino acid change and it is not expected to impact splicing.

Labcorp Genetics (formerly Invitae), Labcorp
Classification: Likely benign for Neurofibromatosis, type 1. Last evaluated: 2025-07-30. Review status: criteria provided, single submitter. Criteria: Invitae Variant Classification Sherloc (09022015). Collection method: clinical testing. Allele origin: germline.

Quest Diagnostics Nichols Institute San Juan Capistrano
Classification: Uncertain significance. Last evaluated: 2024-03-08. Review status: criteria provided, single submitter. Criteria: Quest Diagnostics criteria. Collection method: clinical testing. Allele origin: unknown.

Sema4
Classification: Uncertain significance for Hereditary cancer-predisposing syndrome. Last evaluated: 2022-03-10. Review status: criteria provided, single submitter. Criteria: Sema4 Curation Guidelines. Collection method: curation. Allele origin: germline.
Comment: The NF1 c.7752G>A (p.L2584=) variant has not been reported in the literature to our knowledge. This variant is not reported in the population database Genome Aggregation Database (PMID: 32461654). The variant has been reported in ClinVar (Variation ID: 480165). In silico tools suggest that the variant may create or strengthen a cryptic splice site, though these predictions have not been confirmed by transcriptional studies. The evidence is insufficient to meet ACMG/AMP criteria for classifying the variant as benign or pathogenic. Thus, the clinical significance of this variant is currently uncertain.

Ambry Genetics
Classification: Likely benign for Cardiovascular phenotype; Hereditary cancer-predisposing syndrome. Last evaluated: 2016-10-11. Review status: criteria provided, single submitter. Criteria: Ambry Variant Classification Scheme 2023. Collection method: clinical testing. Allele origin: germline.

NM_001042492.3(NF1):c.7815G>A (p.Leu2605=)

Gene: NF1 (neurofibromin 1; plus strand). Cytogenetic location: 17q11.2.
Variant type: single nucleotide variant.
Coding change: c.7815G>A on transcript NM_001042492.3 (MANE Select); coding-DNA position 7815, G replaced by A.
Protein change: p.Leu2605=; no amino-acid change (leucine 2605 retained).
Molecular consequence: synonymous variant.
Genome position (GRCh38, 1-based): chr17:31,357,036, G>A. VCF-style: chr17-31357036-G-A. GRCh37 (hg19) VCF-style: chr17-29684054-G-A.
Other names: c.7752G>A, p.Leu2584= (NM_000267.4).
Identifiers: ClinVar variation 480165 (VCV000480165.14), dbSNP rs1555536703, ClinGen allele CA499239454.